The following is an entry in ClinVar:

ClinVar aggregate classification (germline): Uncertain significance (1 of 4 stars; one submission).

Conditions:
Primary ciliary dyskinesia. Also called: Ciliary dyskinesia. Identifiers: Orphanet 244, MedGen C0008780, MONDO:0016575, HP:0012265.

Allele frequency attached by ClinVar (database versions not stated): gnomAD exomes below 0.00001.
gnomAD v4.1: 3 of 1,553,764 alleles (0.00019%); highest among the groups gnomAD compares: Non-Finnish European, 0.00018%; no homozygotes.

Submission:

Labcorp Genetics (formerly Invitae), Labcorp
Classification: Uncertain significance for Primary ciliary dyskinesia. Last evaluated: 2019-01-08. Review status: criteria provided, single submitter. Criteria: Invitae Variant Classification Sherloc (09022015). Collection method: clinical testing. Allele origin: germline.
Comment: This sequence change falls in intron 9 of the DNAH8 gene. It does not directly change the encoded amino acid sequence of the DNAH8 protein, but it affects a nucleotide within the consensus splice site of the intron. This variant is not present in population databases (ExAC no frequency). This variant has not been reported in the literature in individuals with DNAH8-related conditions. Nucleotide substitutions within the consensus splice site are a relatively common cause of aberrant splicing (PMID: 17576681, 9536098). Algorithms developed to predict the effect of sequence changes on RNA splicing suggest that this variant may disrupt the consensus splice site, but this prediction has not been confirmed by published transcriptional studies. In summary, the available evidence is currently insufficient to determine the role of this variant in disease. Therefore, it has been classified as a Variant of Uncertain Significance.

NM_001206927.2(DNAH8):c.1407+3A>G

Gene: DNAH8 (dynein axonemal heavy chain 8; plus strand). Cytogenetic location: 6p21.2.
Variant type: single nucleotide variant.
Coding change: c.1407+3A>G on transcript NM_001206927.2 (MANE Select); 3 bases into the intron after coding-DNA position 1407, A replaced by G.
Molecular consequence: intron variant.
Genome position (GRCh38, 1-based): chr6:38,750,592, A>G. VCF-style: chr6-38750592-A-G. GRCh37 (hg19) VCF-style: chr6-38718368-A-G.
Other names: c.756+3A>G (NM_001371.4).
Identifiers: ClinVar variation 853211 (VCV000853211.1), dbSNP rs1204749351, ClinGen allele CA566566349.